The following is an entry in ClinVar:

ClinVar aggregate classification (germline): Uncertain significance (1 of 4 stars; one submission).

Conditions:
Parenti-mignot neurodevelopmental syndrome. Identifiers: MedGen C5676984, MONDO:0859249, OMIM 619873.

gnomAD v4.1: 1 of 1,602,590 alleles (0.000062%); highest among the groups gnomAD compares: Non-Finnish European, 0.000085%; no homozygotes.

Submission:

Institute for Clinical Genetics, University Hospital TU Dresden, University Hospital TU Dresden
Classification: Uncertain significance for Parenti-mignot neurodevelopmental syndrome. Last evaluated: 2024-01-05. Review status: criteria provided, single submitter. Criteria: ACMG Guidelines, 2015. Collection method: clinical testing. Allele origin: germline. Affected: yes.
Comment: The missense variant in the CHD5 gene (NM_015557.3:c.1220G>A, p.(Gly407Asp)) leads to an amino acid exchange at position 407 in the corresponding protein due to a base exchange at position 1220 of the mRNA. This variant is not yet listed in the ClinVar database. Empirically, the gene shows an increased sensitivity to missense variants (Z-score 5.32). Bioinformatic prediction algorithms estimate the effect of the variant on protein function as unclear (REVEL score 0.38), which has not yet been confirmed by functional studies. In the gnomAD database, this variant has been found heterozygous 1 time in healthy individuals. According to current ACMG recommendations for variant evaluation (PMID 25741868), the criteria PM2_SUP and PP2 are fulfilled, resulting in an evaluation as a variant of unclear significance (ACMG class 3).

NM_015557.3(CHD5):c.1220G>A (p.Gly407Asp)

Gene: CHD5 (chromodomain helicase DNA binding protein 5; minus strand). Cytogenetic location: 1p36.31.
Variant type: single nucleotide variant.
Coding change: c.1220G>A on transcript NM_015557.3 (MANE Select); coding-DNA position 1220, G replaced by A.
Protein change: p.Gly407Asp; replaces glycine 407 with aspartic acid.
Molecular consequence: missense variant.
Genome position (GRCh38, 1-based): chr1:6,149,017, C>T on the plus strand (G>A on the coding strand, the complement: CHD5 is on the minus strand). VCF-style: chr1-6149017-C-T. GRCh37 (hg19) VCF-style: chr1-6209077-C-T.
Other names: short protein forms G407D.
Identifiers: ClinVar variation 4850087 (VCV004850087.1).